The following is an entry in ClinVar:

NM_001901.4(CCN2):c.14G>T (p.Ser5Ile)

Genes: CCN2 (cellular communication network factor 2; minus strand), CCN2-AS1 (CCN2 antisense RNA 1; plus strand). Cytogenetic location: 6q23.2.
Variant type: single nucleotide variant.
Coding change: c.14G>T on transcript NM_001901.4 (MANE Select); coding-DNA position 14, G replaced by T.
Protein change: p.Ser5Ile; replaces serine 5 with isoleucine.
Molecular consequence: missense variant.
Genome position (GRCh38, 1-based): chr6:131,951,159, C>A on the plus strand (G>T on the coding strand, the complement: CCN2 is on the minus strand). VCF-style: chr6-131951159-C-A. GRCh37 (hg19) VCF-style: chr6-132272299-C-A.
Other names: short protein forms S5I.
Identifiers: ClinVar variation 3239505 (VCV003239505.19), dbSNP rs2483666649.
Genomic context (GRCh38, chr6:131,951,159, plus strand): 5'-GCGCTTACCCGGCTGCAGAGGGCGAGGAGGACCACGAAGGCGACGCGGACGGGGCCCATA[C>A]TGGCGGCGGTCATGGTTGGCACTGCGGGCGGAGCGGAGGGCGCGGTGGCGGCGAGCGGGG-3'
Protein context (NP_001892.2, residues 1-15): MTAA[Ser5Ile]MGPVRVAFVV

ClinVar aggregate classification (germline): Uncertain significance (1 of 4 stars; one submission).

gnomAD v4.1: 2 of 1,342,540 alleles (0.00015%); highest among the groups gnomAD compares: Middle Eastern, 0.025%; no homozygotes.

Submission:

CeGaT Center for Human Genetics Tuebingen
Classification: Uncertain significance. Last evaluated: 2024-05-01. Review status: criteria provided, single submitter. Criteria: CeGaT Center For Human Genetics Tuebingen Variant Classification Criteria Version 2. Collection method: clinical testing. Allele origin: germline. Affected: yes. Observed: 1 variant allele.
Comment: CCN2: PM2